The following is an entry in ClinVar:

ClinVar aggregate classification (germline): Likely benign (1 of 4 stars; one submission).

Conditions:
Telangiectasia, hereditary hemorrhagic, type 2 (HHT2). Also called: ACVRL1-Related Hereditary Hemorrhagic Telangiectasia; Telangiectasia, hereditary hemorrhagic, type II. Identifiers: Orphanet 774, MedGen C1838163, MONDO:0010880, OMIM 600376. Disease mechanism: loss of function.

Allele frequency attached by ClinVar (database versions not stated): 1000 Genomes Project 0.00120; gnomAD 0.00148 and 0.00167; 1000 Genomes Project 30x 0.00156; TOPMed 0.00193.

Submission:

Illumina Laboratory Services, Illumina
Classification: Likely benign for Telangiectasia, hereditary hemorrhagic, type 2. Last evaluated: 2018-01-13. Review status: criteria provided, single submitter. Criteria: ICSL Variant Classification Criteria 13 December 2019. Collection method: clinical testing. Allele origin: germline.
Comment: This variant was observed in the ICSL laboratory as part of a predisposition screen in an ostensibly healthy population. It had not been previously curated by ICSL or reported in the Human Gene Mutation Database (HGMD: prior to June 1st, 2018), and was therefore a candidate for classification through an automated scoring system. Utilizing variant allele frequency, disease prevalence and penetrance estimates, and inheritance mode, an automated score was calculated to assess if this variant is too frequent to cause the disease. Based on the score and internal cut-off values, a variant classified as likely benign is not then subjected to further curation. The score for this variant resulted in a classification of likely benign for this disease.

NM_000020.3(ACVRL1):c.*871C>T

Gene: ACVRL1 (activin A receptor like type 1; plus strand). Cytogenetic location: 12q13.13.
Variant type: single nucleotide variant.
Coding change: c.*871C>T on transcript NM_000020.3 (MANE Select); 871 bases downstream of the stop codon, C replaced by T.
Molecular consequence: 3 prime UTR variant.
Genome position (GRCh38, 1-based): chr12:51,921,764, C>T. VCF-style: chr12-51921764-C-T. GRCh37 (hg19) VCF-style: chr12-52315548-C-T.
Other names: c.*871C>T (NM_001077401.2).
Identifiers: ClinVar variation 883075 (VCV000883075.4), dbSNP rs142552361, ClinGen allele CA236368362.
Genomic context (GRCh38, chr12:51,921,764, plus strand): 5'-CCTGTCTCAGGACCTTTTCTTTTCTTTTTTCCTTCTTTTTTTTTTTGACACGGAGTTTCG[C>T]TCTTGTTGTCCAGGCTAGAGTGCAATGGCATGATCCCAGCTCACCGCAACGTCTACCTCC-3'